The following is an entry in ClinVar:

ClinVar aggregate classification (germline): Likely benign. Review status: reviewed by expert panel (3 of 4 stars). 3 submissions from 3 submitters: Likely benign (1). 2 of the submissions do not count toward it. Last evaluated 2017-06-29.

Conditions:
Breast-ovarian cancer, familial, susceptibility to, 2 (BROVCA2). Also called: BRCA2 Hereditary Breast and Ovarian Cancer. Identifiers: Orphanet 145, MedGen C2675520, MONDO:0012933, OMIM 612555. Disease mechanism: loss of function.
Hereditary breast ovarian cancer syndrome. Also called: Hereditary breast and ovarian cancer syndrome; BRCA1- and BRCA2-Associated Hereditary Breast and Ovarian Cancer; Hereditary breast and/or ovarian cancer syndrome; Hereditary breast and ovarian cancer; Breast and ovarian cancer; Hereditary breast and ovarian cancer syndrome (HBOC). Identifiers: Orphanet 145, MedGen C0677776, MeSH D061325, MONDO:0003582. Disease mechanism: loss of function.

Submissions (3):

Evidence-based Network for the Interpretation of Germline Mutant Alleles (ENIGMA)
Classification: Likely benign for Breast-ovarian cancer, familial, susceptibility to, 2. Last evaluated: 2017-06-29. Review status: reviewed by expert panel. Criteria: ENIGMA BRCA1/2 Classification Criteria (2017-06-29). Collection method: curation. Allele origin: germline.
Comment: Synonymous substitution variant, with low bioinformatic likelihood to result in a splicing aberration (Splicing prior probability 0.02).

Labcorp Genetics (formerly Invitae), Labcorp
Classification: Likely benign for Hereditary breast ovarian cancer syndrome. Last evaluated: 2025-10-14. Review status: criteria provided, single submitter. Criteria: Invitae Variant Classification Sherloc (09022015). Collection method: clinical testing. Allele origin: germline. Not counted in ClinVar's aggregate classification.

Women's Health and Genetics/Laboratory Corporation of America, LabCorp
Classification: Likely benign. Last evaluated: 2025-05-07. Review status: criteria provided, single submitter. Criteria: LabCorp Variant Classification Summary - May 2015. Collection method: clinical testing. Allele origin: germline. Not counted in ClinVar's aggregate classification.

NM_000059.4(BRCA2):c.5472T>C (p.Asn1824=)

Gene: BRCA2 (BRCA2 DNA repair associated; plus strand). Cytogenetic location: 13q13.1.
Variant type: single nucleotide variant.
Coding change: c.5472T>C on transcript NM_000059.4 (MANE Select); coding-DNA position 5472, T replaced by C.
Protein change: p.Asn1824=; no amino-acid change (asparagine 1824 retained).
Molecular consequence: synonymous variant.
Genome position (GRCh38, 1-based): chr13:32,339,827, T>C. VCF-style: chr13-32339827-T-C. GRCh37 (hg19) VCF-style: chr13-32913964-T-C.
Identifiers: ClinVar variation 427473 (VCV000427473.7), dbSNP rs756797448, ClinGen allele CA6940876.